The following is an entry in ClinVar:

NM_001330311.2(DVL1):c.886G>A (p.Glu296Lys)

Gene: DVL1 (dishevelled segment polarity protein 1; minus strand). Cytogenetic location: 1p36.33.
Variant type: single nucleotide variant.
Coding change: c.886G>A on transcript NM_001330311.2 (MANE Select); coding-DNA position 886, G replaced by A.
Protein change: p.Glu296Lys; replaces glutamic acid 296 with lysine.
Molecular consequence: missense variant.
Genome position (GRCh38, 1-based): chr1:1,340,061, C>T on the plus strand (G>A on the coding strand, the complement: DVL1 is on the minus strand). VCF-style: chr1-1340061-C-T. GRCh37 (hg19) VCF-style: chr1-1275441-C-T.
Other names: c.886G>A, p.Glu296Lys (NM_004421.3); short protein forms E296K.
Identifiers: ClinVar variation 2914734 (VCV002914734.3), dbSNP rs984999165, ClinGen allele CA16757294.

ClinVar aggregate classification (germline): Uncertain significance (1 of 4 stars; one submission).

Allele frequency attached by ClinVar (database versions not stated): gnomAD exomes below 0.00001.
gnomAD v4.1: 5 of 1,612,788 alleles (0.00031%); highest among the groups gnomAD compares: Admixed American, 0.0017%; no homozygotes.

Submission:

Labcorp Genetics (formerly Invitae), Labcorp
Classification: Uncertain significance. Last evaluated: 2023-04-24. Review status: criteria provided, single submitter. Criteria: Invitae Variant Classification Sherloc (09022015). Collection method: clinical testing. Allele origin: germline.
Comment: In summary, the available evidence is currently insufficient to determine the role of this variant in disease. Therefore, it has been classified as a Variant of Uncertain Significance. Advanced modeling of protein sequence and biophysical properties (such as structural, functional, and spatial information, amino acid conservation, physicochemical variation, residue mobility, and thermodynamic stability) performed at Invitae indicates that this missense variant is expected to disrupt DVL1 protein function. This variant has not been reported in the literature in individuals affected with DVL1-related conditions. This variant is present in population databases (no rsID available, gnomAD 0.003%). This sequence change replaces glutamic acid, which is acidic and polar, with lysine, which is basic and polar, at codon 296 of the DVL1 protein (p.Glu296Lys).